The following is an entry in ClinVar:

ClinVar aggregate classification (germline): Likely pathogenic (1 of 4 stars; one submission).

Conditions:
HSD10 mitochondrial disease (HSD10MD). Also called: 17-beta-hydroxysteroid dehydrogenase X deficiency; HSD10 disease; Chorioathetosis with Mental Retardation and Abnormal Behavior; HSD17B10 DEFICIENCY; MHBD DEFICIENCY; 2-METHYL-3-HYDROXYBUTYRYL-CoA DEHYDROGENASE DEFICIENCY. Identifiers: Orphanet 391417, Orphanet 85295, MedGen C3266731, MONDO:0010327, OMIM 300438. Disease mechanism: loss of function.

Submission:

New York Genome Center
Classification: Likely pathogenic for HSD10 mitochondrial disease. Last evaluated: 2019-09-17. Review status: criteria provided, single submitter. Criteria: NYGC Assertion Criteria 2020. Collection method: clinical testing. Allele origin: de novo. Inheritance: X-linked inheritance. Observed: 1 heterozygote. Study: CSER-NYCKidSeq.
Comment: The de novo c.164G>A (p.Gly55Glu) variant identified in the HSD17B10 gene substitutes a completely conserved Glycine for Glutamic acid at amino acid 55/262 (coding exon 2/6). This variant is absent from gnomAD and ExAC, suggesting it is not a common benign variant in the populations represented in these databases. In silico algorithms predict this variant to be Deleterious (Provean; score: -6.61) and Damaging (SIFT; score: 0.000) to the function of the canonical transcript. This variant is absent from ClinVar and to our current knowledge has not been reported in affected individuals in the literature. The p.Gly55 residue is not within a functional domain of HSD17B10, but is within a region of the protein between the NAD Binding and Subunit Interaction domains where another missense variant has been reported in affected individuals [PMID: 22132097; PMID: 27295195]. Given the presence of this variant as a de novo variant in the affected individual, its absence in population databases, and in silico predictions of a damaging effect on the function of the canonical transcript, the c.164G>A (p.Gly55Glu) variant identified in the HSD17B10 gene is reported here as Likely Pathogenic.

NM_004493.3(HSD17B10):c.164G>A (p.Gly55Glu)

Gene: HSD17B10 (hydroxysteroid 17-beta dehydrogenase 10; minus strand). Cytogenetic location: Xp11.22.
Variant type: single nucleotide variant.
Coding change: c.164G>A on transcript NM_004493.3 (MANE Select); coding-DNA position 164, G replaced by A.
Protein change: p.Gly55Glu; replaces glycine 55 with glutamic acid.
Molecular consequence: missense variant.
Genome position (GRCh38, 1-based): chrX:53,433,750, C>T on the plus strand (G>A on the coding strand, the complement: HSD17B10 is on the minus strand). VCF-style: chrX-53433750-C-T. GRCh37 (hg19) VCF-style: chrX-53460697-C-T.
Other names: c.164G>A, p.Gly55Glu (NM_001037811.2); short protein forms G55E.
Identifiers: ClinVar variation 996911 (VCV000996911.1), dbSNP rs2075834227, ClinGen allele CA413154095.